The following is an entry in ClinVar:

ClinVar aggregate classification (germline): Uncertain significance (1 of 4 stars; one submission).

Allele frequency attached by ClinVar (database versions not stated): ExAC 0.00001; gnomAD 0.00002; gnomAD exomes 0.00002; TOPMed 0.00003; ESP Exome Variant Server 0.00008.
gnomAD v4.1: 39 of 1,606,418 alleles (0.0024%); highest among the groups gnomAD compares: Non-Finnish European, 0.003%; 1 homozygote.

Submission:

Labcorp Genetics (formerly Invitae), Labcorp
Classification: Uncertain significance. Last evaluated: 2023-08-04. Review status: criteria provided, single submitter. Criteria: Invitae Variant Classification Sherloc (09022015). Collection method: clinical testing. Allele origin: germline.
Comment: In summary, the available evidence is currently insufficient to determine the role of this variant in disease. Therefore, it has been classified as a Variant of Uncertain Significance. Advanced modeling of protein sequence and biophysical properties (such as structural, functional, and spatial information, amino acid conservation, physicochemical variation, residue mobility, and thermodynamic stability) performed at Invitae indicates that this missense variant is expected to disrupt PLOD3 protein function. This variant has not been reported in the literature in individuals affected with PLOD3-related conditions. The frequency data for this variant in the population databases is considered unreliable, as metrics indicate poor data quality at this position in the gnomAD database. This sequence change replaces arginine, which is basic and polar, with cysteine, which is neutral and slightly polar, at codon 420 of the PLOD3 protein (p.Arg420Cys).

NM_001084.5(PLOD3):c.1258C>T (p.Arg420Cys)

Gene: PLOD3 (procollagen-lysine,2-oxoglutarate 5-dioxygenase 3; minus strand). Cytogenetic location: 7q22.1.
Variant type: single nucleotide variant.
Coding change: c.1258C>T on transcript NM_001084.5 (MANE Select); coding-DNA position 1258, C replaced by T.
Protein change: p.Arg420Cys; replaces arginine 420 with cysteine.
Molecular consequence: missense variant.
Genome position (GRCh38, 1-based): chr7:101,211,691, G>A on the plus strand (C>T on the coding strand, the complement: PLOD3 is on the minus strand). VCF-style: chr7-101211691-G-A. GRCh37 (hg19) VCF-style: chr7-100854972-G-A.
Other names: short protein forms R420C.
Identifiers: ClinVar variation 2895584 (VCV002895584.1), dbSNP rs367797717, ClinGen allele CA4407757.